The following is an entry in ClinVar:

NM_025215.6(PUS1):c.303+1G>T

Gene: PUS1 (pseudouridine synthase 1; plus strand). Cytogenetic location: 12q24.33.
Variant type: single nucleotide variant.
Coding change: c.303+1G>T on transcript NM_025215.6 (MANE Select); the canonical splice donor site of the intron after coding-DNA position 303, G replaced by T.
Molecular consequence: splice donor variant.
Genome position (GRCh38, 1-based): chr12:131,930,136, G>T. VCF-style: chr12-131930136-G-T. GRCh37 (hg19) VCF-style: chr12-132414681-G-T.
Other names: c.219+1G>T (NM_001002019.3, NM_001002020.3).
Identifiers: ClinVar variation 2798437 (VCV002798437.3), dbSNP rs1450284892, ClinGen allele CA387297550.

ClinVar aggregate classification (germline): Likely pathogenic (1 of 4 stars; one submission).

Submission:

Labcorp Genetics (formerly Invitae), Labcorp
Classification: Likely pathogenic. Last evaluated: 2023-03-20. Review status: criteria provided, single submitter. Criteria: Invitae Variant Classification Sherloc (09022015). Collection method: clinical testing. Allele origin: germline.
Comment: This variant is not present in population databases (gnomAD no frequency). In summary, the currently available evidence indicates that the variant is pathogenic, but additional data are needed to prove that conclusively. Therefore, this variant has been classified as Likely Pathogenic. Algorithms developed to predict the effect of sequence changes on RNA splicing suggest that this variant may disrupt the consensus splice site. This variant has not been reported in the literature in individuals affected with PUS1-related conditions. This sequence change affects a donor splice site in intron 2 of the PUS1 gene. It is expected to disrupt RNA splicing. Variants that disrupt the donor or acceptor splice site typically lead to a loss of protein function (PMID: 16199547), and loss-of-function variants in PUS1 are known to be pathogenic (PMID: 17056637, 19731322, 25058219, 26556812).

Literature cited by the submitters: PubMed 16199547; PubMed 17056637; PubMed 19731322; PubMed 25058219; PubMed 26556812.